The following is an entry in ClinVar:

NM_000536.4(RAG2):c.450A>C (p.Lys150Asn)

Gene: RAG2 (recombination activating 2; minus strand). Cytogenetic location: 11p12.
Variant type: single nucleotide variant.
Coding change: c.450A>C on transcript NM_000536.4 (MANE Select); coding-DNA position 450, A replaced by C.
Protein change: p.Lys150Asn; replaces lysine 150 with asparagine.
Molecular consequence: missense variant.
Genome position (GRCh38, 1-based): chr11:36,593,719, T>G on the plus strand (A>C on the coding strand, the complement: RAG2 is on the minus strand). VCF-style: chr11-36593719-T-G. GRCh37 (hg19) VCF-style: chr11-36615269-T-G.
Other names: c.450A>C, p.Lys150Asn (NM_001243785.2, NM_001243786.2); short protein forms K150N.
Identifiers: ClinVar variation 4839327 (VCV004839327.1).
Genomic context (GRCh38, chr11:36,593,719, plus strand): 5'-TTCTGTGGTTCTGTGGGTAGAAGGCATGTATGAGCGTCCTCCAAAGAGAACACCCATACT[T>G]TTCCCTCGGCTGTACACCACATTAATGGAATGACCATATCTGGCTTCAGGAACATCTCCT-3'
Protein context (NP_000527.2, residues 140-160): HSINVVYSRG[Lys150Asn]SMGVLFGGRS

ClinVar aggregate classification (germline): Uncertain significance (1 of 4 stars; one submission).

Conditions:
Inborn genetic diseases. Identifiers: MedGen C0950123, MeSH D030342.

gnomAD v4.1: 4 of 1,614,046 alleles (0.00025%); highest among the groups gnomAD compares: African/African-American, 0.0053%; no homozygotes.

Submission:

Ambry Genetics
Classification: Uncertain significance for Inborn genetic diseases. Last evaluated: 2026-01-14. Review status: criteria provided, single submitter. Criteria: Ambry Variant Classification Scheme 2023. Collection method: clinical testing. Allele origin: germline.
Comment: The c.450A>C (p.K150N) alteration is located in exon 2 (coding exon 1) of the RAG2 gene. This alteration results from a A to C substitution at nucleotide position 450, causing the lysine (K) at amino acid position 150 to be replaced by an asparagine (N). Based on data from gnomAD, the C allele has an overall frequency of 0.001% (3/282548) total alleles studied. The highest observed frequency was 0.012% (3/24952) of African alleles. Based on insufficient or conflicting evidence, the clinical significance of this alteration remains unclear.